The following is an entry in ClinVar:

ClinVar aggregate classification (germline): Uncertain significance (1 of 4 stars; one submission).

Allele frequency attached by ClinVar (database versions not stated): gnomAD exomes below 0.00001.
gnomAD v4.1: 5 of 1,613,774 alleles (0.00031%); highest among the groups gnomAD compares: South Asian, 0.0033%; no homozygotes.

Submission:

GeneDx
Classification: Uncertain significance. Last evaluated: 2020-06-29. Review status: criteria provided, single submitter. Criteria: GeneDx Variant Classification Process June 2021. Collection method: clinical testing. Allele origin: germline. Affected: yes.
Comment: Not observed in large population cohorts (Lek et al., 2016); In silico analysis supports that this missense variant does not alter protein structure/function; Has not been previously published as pathogenic or benign to our knowledge

NM_001244008.2(KIF1A):c.3970C>T (p.Leu1324Phe)

Gene: KIF1A (kinesin family member 1A; minus strand). Cytogenetic location: 2q37.3.
Variant type: single nucleotide variant.
Coding change: c.3970C>T on transcript NM_001244008.2 (MANE Select); coding-DNA position 3970, C replaced by T.
Protein change: p.Leu1324Phe; replaces leucine 1324 with phenylalanine.
Molecular consequence: missense variant.
Genome position (GRCh38, 1-based): chr2:240,737,100, G>A on the plus strand (C>T on the coding strand, the complement: KIF1A is on the minus strand). VCF-style: chr2-240737100-G-A. GRCh37 (hg19) VCF-style: chr2-241676517-G-A.
Other names: c.3694C>T, p.Leu1232Phe (NM_001320705.2, NM_001330289.2, NM_001379638.1); c.3769C>T, p.Leu1257Phe (NM_001330290.2, NM_001379634.1, NM_001379635.1 and 1 more transcripts); c.4045C>T, p.Leu1349Phe (NM_001379631.1); c.3919C>T, p.Leu1307Phe (NM_001379632.1); c.3943C>T, p.Leu1315Phe (NM_001379633.1, NM_001379642.1, NM_001379645.1); c.3781C>T, p.Leu1261Phe (NM_001379636.1); c.3742C>T, p.Leu1248Phe (NM_001379637.1, NM_001379648.1); c.3667C>T, p.Leu1223Phe (NM_001379639.1, NM_001379641.1, NM_001379649.1 and 4 more transcripts); and 1 more; short protein forms L1222F, L1223F, L1232F, L1248F, L1257F, L1261F, L1307F, L1315F.
Identifiers: ClinVar variation 1312858 (VCV001312858.2), dbSNP rs2125718724, ClinGen allele CA351312615.